The following is an entry in ClinVar:

NM_000719.7(CACNA1C):c.617+286T>C

Gene: CACNA1C (calcium voltage-gated channel subunit alpha1 C; plus strand). Cytogenetic location: 12p13.33.
Variant type: single nucleotide variant.
Coding change: c.617+286T>C on transcript NM_000719.7 (MANE Select); 286 bases into the intron after coding-DNA position 617, T replaced by C.
Molecular consequence: intron variant.
Genome position (GRCh38, 1-based): chr12:2,449,401, T>C. VCF-style: chr12-2449401-T-C. GRCh37 (hg19) VCF-style: chr12-2558567-T-C.
Other names: c.617+286T>C (NM_001167624.3, NM_001167623.2, NM_001167625.2 and 19 more transcripts).
Identifiers: ClinVar variation 683261 (VCV000683261.5), dbSNP rs4765682, ClinGen allele CA13611045.

ClinVar aggregate classification (germline): Benign. Review status: criteria provided, multiple submitters, no conflicts (2 of 4 stars). 2 submissions from 2 submitters: Benign (2). Last evaluated 2019-12-31.

Conditions:
Long QT syndrome (LQTS). Identifiers: MedGen C0023976, MeSH D008133, MONDO:0002442. Disease mechanism: loss of function. Inheritance: Various modes of inheritance.

Allele frequency attached by ClinVar (database versions not stated): 1000 Genomes Project 0.37819; 1000 Genomes Project 30x 0.38273; gnomAD 0.41186 and 0.41807; TOPMed 0.41498.
gnomAD v4.1: 62,568 of 152,052 alleles (41%); highest among the groups gnomAD compares: African/African-American, 57%; 13,845 homozygotes.

Submissions (2):

Labcorp Genetics (formerly Invitae), Labcorp
Classification: Benign for Long QT syndrome. Last evaluated: 2019-12-31. Review status: criteria provided, single submitter. Criteria: Invitae Variant Classification Sherloc (09022015). Collection method: clinical testing. Allele origin: germline.

GeneDx
Classification: Benign. Last evaluated: 2018-06-19. Review status: criteria provided, single submitter. Criteria: GeneDx Variant Classification (06012015). Collection method: clinical testing. Allele origin: germline. Affected: yes.
Comment: This variant is considered likely benign or benign based on one or more of the following criteria: it is a conservative change, it occurs at a poorly conserved position in the protein, it is predicted to be benign by multiple in silico algorithms, and/or has population frequency not consistent with disease.